The following is an entry in ClinVar:

ClinVar aggregate classification (germline): Likely benign. Review status: criteria provided, multiple submitters, no conflicts (2 of 4 stars). 3 submissions from 3 submitters: Likely benign (2). 1 of the submissions does not count toward it. Last evaluated 2024-10-18.

Conditions:
Congenital brain dysgenesis due to glutamine synthetase deficiency (GLND). Also called: GLUTAMINE SYNTHASE DEFICIENCY, CONGENITAL SYSTEMIC. Identifiers: Orphanet 71278, MedGen C1864910, MONDO:0012393, OMIM 610015.
GLUL-related disorder. Also called: GLUL-related condition.

Allele frequency attached by ClinVar (database versions not stated): gnomAD exomes 0.00001; ExAC 0.00002.
gnomAD v4.1: 24 of 1,611,148 alleles (0.0015%); highest among the groups gnomAD compares: Admixed American, 0.0083%; no homozygotes.

Submissions (3):

Blueprint Genetics
Classification: Likely benign. Last evaluated: 2024-10-18. Review status: criteria provided, single submitter. Criteria: ACMG Guidelines, 2015. Collection method: clinical testing. Allele origin: germline.

Labcorp Genetics (formerly Invitae), Labcorp
Classification: Likely benign for Congenital brain dysgenesis due to glutamine synthetase deficiency. Last evaluated: 2022-09-13. Review status: criteria provided, single submitter. Criteria: Invitae Variant Classification Sherloc (09022015). Collection method: clinical testing. Allele origin: germline.

PreventionGenetics, part of Exact Sciences
Classification: Likely benign for GLUL-related condition. Last evaluated: 2019-06-24. Review status: no assertion criteria provided. Collection method: clinical testing. Allele origin: germline. Not counted in ClinVar's aggregate classification.
Comment: This variant is classified as likely benign based on ACMG/AMP sequence variant interpretation guidelines (Richards et al. 2015 PMID: 25741868, with internal and published modifications).

NM_001033044.4(GLUL):c.237C>T (p.Leu79=)

Gene: GLUL (glutamate-ammonia ligase; minus strand). Cytogenetic location: 1q25.3.
Variant type: single nucleotide variant.
Coding change: c.237C>T on transcript NM_001033044.4 (MANE Select); coding-DNA position 237, C replaced by T.
Protein change: p.Leu79=; no amino-acid change (leucine 79 retained).
Molecular consequence: synonymous variant.
Genome position (GRCh38, 1-based): chr1:182,387,222, G>A on the plus strand (C>T on the coding strand, the complement: GLUL is on the minus strand). VCF-style: chr1-182387222-G-A. GRCh37 (hg19) VCF-style: chr1-182356357-G-A.
Other names: c.237C>T (NM_002065.6); c.237C>T, p.Leu79= (NM_001033056.4, NM_002065.7).
Identifiers: ClinVar variation 2083023 (VCV002083023.7), dbSNP rs776287282, ClinGen allele CA1277217.